The following is an entry in ClinVar:

NM_052947.4(ALPK2):c.6481G>C (p.Gly2161Arg)

Gene: ALPK2 (alpha kinase 2; minus strand). Cytogenetic location: 18q21.31.
Variant type: single nucleotide variant.
Coding change: c.6481G>C on transcript NM_052947.4 (MANE Select); coding-DNA position 6481, G replaced by C.
Protein change: p.Gly2161Arg; replaces glycine 2161 with arginine.
Molecular consequence: missense variant.
Genome position (GRCh38, 1-based): chr18:58,481,855, C>G on the plus strand (G>C on the coding strand, the complement: ALPK2 is on the minus strand). VCF-style: chr18-58481855-C-G. GRCh37 (hg19) VCF-style: chr18-56149087-C-G.
Other names: short protein forms G2161R.
Identifiers: ClinVar variation 2625983 (VCV002625983.2), dbSNP rs2518842547, ClinGen allele CA402538225.

ClinVar aggregate classification (germline): Uncertain significance (1 of 4 stars; one submission).

Submission:

Ambry Genetics
Classification: Uncertain significance. Last evaluated: 2023-07-03. Review status: criteria provided, single submitter. Criteria: Ambry Variant Classification Scheme 2023. Collection method: clinical testing. Allele origin: germline.
Comment: The p.G2161R variant (also known as c.6481G>C), located in coding exon 12 of the ALPK2 gene, results from a G to C substitution at nucleotide position 6481. The glycine at codon 2161 is replaced by arginine, an amino acid with dissimilar properties. This amino acid position is conserved. In addition, this alteration is predicted to be tolerated by in silico analysis. Since supporting evidence is limited at this time, the clinical significance of this alteration remains unclear.